The following is an entry in ClinVar:

ClinVar aggregate classification (germline): Benign/Likely benign. Review status: criteria provided, multiple submitters, no conflicts (2 of 4 stars). 4 submissions from 4 submitters: Benign (2); Likely benign (1). 1 of the submissions does not count toward it. Last evaluated 2026-02-04.

Conditions:
Mitochondrial trifunctional protein deficiency. Identifiers: Orphanet 746, MedGen C1969443, MONDO:0012172.
Long chain 3-hydroxyacyl-CoA dehydrogenase deficiency. Also called: Deficiency of long-chain 3-hydroxyacyl-coenzyme A dehydrogenase; LCHAD Deficiency. Identifiers: Orphanet 5, MedGen C3711645, MONDO:0012173, OMIM 609016.
HADHA-related disorder. Also called: HADHA-related disorders; HADHA-related condition.

Allele frequency attached by ClinVar (database versions not stated): gnomAD exomes 0.00004 and 0.00038; gnomAD 0.00011; TOPMed 0.00014; ExAC 0.00027.
gnomAD v4.1: 90 of 1,611,366 alleles (0.0056%); highest among the groups gnomAD compares: East Asian, 0.16%; 1 homozygote.

Submissions (4):

Labcorp Genetics (formerly Invitae), Labcorp
Classification: Benign for Mitochondrial trifunctional protein deficiency; Long chain 3-hydroxyacyl-CoA dehydrogenase deficiency. Last evaluated: 2026-02-04. Review status: criteria provided, single submitter. Criteria: Invitae Variant Classification Sherloc (09022015). Collection method: clinical testing. Allele origin: germline.

Mayo Clinic Laboratories, Mayo Clinic
Classification: Benign. Last evaluated: 2024-12-23. Review status: criteria provided, single submitter. Criteria: ACMG Guidelines, 2015. Collection method: clinical testing. Allele origin: germline. Observed: 1 variant allele.
Comment: BA1, BP4, BP7

Blueprint Genetics
Classification: Likely benign. Last evaluated: 2024-10-07. Review status: criteria provided, single submitter. Criteria: ACMG Guidelines, 2015. Collection method: clinical testing. Allele origin: germline.

PreventionGenetics, part of Exact Sciences
Classification: Likely benign for HADHA-related condition. Last evaluated: 2022-09-08. Review status: no assertion criteria provided. Collection method: clinical testing. Allele origin: germline. Not counted in ClinVar's aggregate classification.
Comment: This variant is classified as likely benign based on ACMG/AMP sequence variant interpretation guidelines (Richards et al. 2015 PMID: 25741868, with internal and published modifications).

NM_000182.5(HADHA):c.1690-12C>T

Genes: HADHA (hydroxyacyl-CoA dehydrogenase trifunctional multienzyme complex subunit alpha; minus strand), GAREM2 (GRB2 associated regulator of MAPK1 subtype 2; plus strand). Cytogenetic location: 2p23.3.
Variant type: single nucleotide variant.
Coding change: c.1690-12C>T on transcript NM_000182.5 (MANE Select); 12 bases into the intron before coding-DNA position 1690, C replaced by T.
Molecular consequence: intron variant.
Genome position (GRCh38, 1-based): chr2:26,193,784, G>A on the plus strand (C>T on the coding strand, the complement: HADHA is on the minus strand). VCF-style: chr2-26193784-G-A. GRCh37 (hg19) VCF-style: chr2-26416653-G-A.
Other names: p.?; c.1690-12C>T (NM_000182.4).
Identifiers: ClinVar variation 1624896 (VCV001624896.12), dbSNP rs369641464, ClinGen allele CA1559472.